The following is an entry in ClinVar:

ClinVar aggregate classification (germline): Uncertain significance (1 of 4 stars; one submission).

Conditions:
Capillary malformation-arteriovenous malformation syndrome. Also called: Capillary malformation-arteriovenous malformation. Identifiers: Orphanet 137667, MedGen C1842180, MONDO:0012016.

Submission:

Labcorp Genetics (formerly Invitae), Labcorp
Classification: Uncertain significance for Capillary malformation-arteriovenous malformation syndrome. Last evaluated: 2023-12-23. Review status: criteria provided, single submitter. Criteria: Invitae Variant Classification Sherloc (09022015). Collection method: clinical testing. Allele origin: germline.
Comment: This sequence change replaces serine, which is neutral and polar, with glycine, which is neutral and non-polar, at codon 622 of the RASA1 protein (p.Ser622Gly). This variant is not present in population databases (gnomAD no frequency). This variant has not been reported in the literature in individuals affected with RASA1-related conditions. An algorithm developed to predict the effect of missense changes on protein structure and function (PolyPhen-2) suggests that this variant is likely to be tolerated. In summary, the available evidence is currently insufficient to determine the role of this variant in disease. Therefore, it has been classified as a Variant of Uncertain Significance.

NM_002890.3(RASA1):c.1864A>G (p.Ser622Gly)

Genes: CCNH (cyclin H; minus strand), RASA1 (RAS p21 protein activator 1; plus strand). Cytogenetic location: 5q14.3.
Variant type: single nucleotide variant.
Coding change: c.1864A>G on transcript NM_002890.3 (MANE Select); coding-DNA position 1864, A replaced by G.
Protein change: p.Ser622Gly; replaces serine 622 with glycine.
Molecular consequence: missense variant. On other transcripts: intron variant (1).
Genome position (GRCh38, 1-based): chr5:87,374,250, A>G. VCF-style: chr5-87374250-A-G. GRCh37 (hg19) VCF-style: chr5-86670067-A-G.
Other names: c.1333A>G, p.Ser445Gly (NM_022650.3); c.933+20794T>C (NM_001364075.2); short protein forms S445G, S622G.
Identifiers: ClinVar variation 2898029 (VCV002898029.3), dbSNP rs2531338610, ClinGen allele CA360374592.